The following is an entry in ClinVar:

NM_004656.4(BAP1):c.1132_1133delinsTT (p.Ala378Leu)

Gene: BAP1 (BRCA1 associated deubiquitinase 1; minus strand). Cytogenetic location: 3p21.1.
Variant type: Indel.
Coding change: c.1132_1133delinsTT on transcript NM_004656.4 (MANE Select); coding-DNA positions 1132 to 1133, GC replaced by TT.
Protein change: p.Ala378Leu; replaces alanine 378 with leucine.
Molecular consequence: missense variant.
Genome position (GRCh38, 1-based): chr3:52,404,570-52,404,571, GC replaced by AA on the plus strand (GC replaced by TT on the coding strand, the reverse complement: BAP1 is on the minus strand). VCF-style: chr3-52404570-GC-AA. GRCh37 (hg19) VCF-style: chr3-52438586-GC-AA.
Other names: c.1078_1079delinsTT, p.Ala360Leu (NM_001410772.1); short protein forms A360L, A378L.
Identifiers: ClinVar variation 2774755 (VCV002774755.5), dbSNP rs2471333652, ClinGen allele CA913188173.

ClinVar aggregate classification (germline): Uncertain significance. Review status: criteria provided, multiple submitters, no conflicts (2 of 4 stars). 2 submissions from 2 submitters: Uncertain significance (2). Last evaluated 2023-12-05.

Conditions:
Hereditary cancer-predisposing syndrome. Also called: Neoplastic Syndromes, Hereditary; Tumor predisposition; Hereditary Cancer Syndrome; Hereditary neoplastic syndrome. Identifiers: Orphanet 140162, MedGen C0027672, MeSH D009386, MONDO:0015356.
BAP1-related tumor predisposition syndrome (TPDS1). Also called: Tumor susceptibility linked to germline BAP1 mutations; COMMON Syndrome; TUMOR PREDISPOSITION SYNDROME 1; BAP1 tumor predisposition syndrome. Identifiers: Orphanet 289539, MedGen C3280492, MONDO:0013692, OMIM 614327.

Submissions (2):

Color Diagnostics, LLC DBA Color Health
Classification: Uncertain significance for Hereditary cancer-predisposing syndrome. Last evaluated: 2023-12-05. Review status: criteria provided, single submitter. Criteria: ACMG Guidelines, 2015. Collection method: clinical testing. Allele origin: germline.
Comment: This missense variant replaces alanine with leucine at codon 378 of the BAP1 protein. To our knowledge, functional studies have not been reported for this variant. This variant has not been reported in individuals affected with BAP1-related disorders in the literature. This variant has not been identified in the general population by the Genome Aggregation Database (gnomAD). The available evidence is insufficient to determine the role of this variant in disease conclusively. Therefore, this variant is classified as a Variant of Uncertain Significance.

Labcorp Genetics (formerly Invitae), Labcorp
Classification: Uncertain significance for BAP1-related tumor predisposition syndrome. Last evaluated: 2023-11-25. Review status: criteria provided, single submitter. Criteria: Invitae Variant Classification Sherloc (09022015). Collection method: clinical testing. Allele origin: germline.
Comment: This sequence change replaces alanine, which is neutral and non-polar, with leucine, which is neutral and non-polar, at codon 378 of the BAP1 protein (p.Ala378Leu). Information on the frequency of this variant in the gnomAD database is not available, as this variant may be reported differently in the database. This variant has not been reported in the literature in individuals affected with BAP1-related conditions. An algorithm developed to predict the effect of missense changes on protein structure and function (PolyPhen-2) suggests that this variant is likely to be disruptive. In summary, the available evidence is currently insufficient to determine the role of this variant in disease. Therefore, it has been classified as a Variant of Uncertain Significance.